The following is an entry in ClinVar:

NM_001942.4(DSG1):c.45dup (p.Leu16fs)

Gene: DSG1 (desmoglein 1; plus strand). Cytogenetic location: 18q12.1.
Variant type: Duplication.
Coding change: c.45dup on transcript NM_001942.4 (MANE Select); coding-DNA position 45, one base duplicated (T; older notation c.45dupT).
Protein change: p.Leu16fs; shifts the reading frame from leucine 16.
Molecular consequence: frameshift variant.
Genome position (GRCh38, 1-based): chr18:31,318,345, T duplicated; the last of 5 consecutive T bases (chr18:31,318,341-31,318,345); duplicating any one gives the same sequence. VCF-style (leftmost placement, unchanged base first): chr18-31318340-A-AT. GRCh37 (hg19) VCF-style: chr18-28898303-A-AT.
Other names: short protein forms L16fs.
Identifiers: ClinVar variation 1443223 (VCV001443223.6), dbSNP rs2144077500, ClinGen allele CA2573155214.

ClinVar aggregate classification (germline): Pathogenic (1 of 4 stars; one submission).

Submission:

Labcorp Genetics (formerly Invitae), Labcorp
Classification: Pathogenic. Last evaluated: 2021-10-16. Review status: criteria provided, single submitter. Criteria: Invitae Variant Classification Sherloc (09022015). Collection method: clinical testing. Allele origin: germline.
Comment: For these reasons, this variant has been classified as Pathogenic. This variant has not been reported in the literature in individuals affected with DSG1-related conditions. This variant is not present in population databases (ExAC no frequency). This sequence change creates a premature translational stop signal (p.Leu16Serfs*7) in the DSG1 gene. It is expected to result in an absent or disrupted protein product. Loss-of-function variants in DSG1 are known to be pathogenic (PMID: 19018793, 23974871, 27534273).

Literature cited by the submitters: PubMed 19018793; PubMed 23974871; PubMed 27534273.